The following is an entry in ClinVar:

ClinVar aggregate classification (germline): Likely pathogenic (1 of 4 stars; one submission).

Conditions:
Mucopolysaccharidosis, MPS-IV-B (MPS4B). Also called: Mucopolysaccharidosis type 4B; Mucopolysaccharidosis type IVB (Morquio); MPS IVB; MORQUIO SYNDROME B; Mucopolysaccharidosis type IV B; Mucopolysaccharidosis Type IVB. Identifiers: Orphanet 309310, Orphanet 582, MedGen C0086652, MONDO:0009660, OMIM 253010.
GM1 gangliosidosis. Identifiers: Orphanet 354, MedGen C0085131, MONDO:0018149.

gnomAD v4.1: 1 of 1,612,966 alleles (0.000062%); highest among the groups gnomAD compares: East Asian, 0.0022%; no homozygotes.

Submission:

Labcorp Genetics (formerly Invitae), Labcorp
Classification: Likely pathogenic for Mucopolysaccharidosis, MPS-IV-B; GM1 gangliosidosis. Last evaluated: 2023-01-25. Review status: criteria provided, single submitter. Criteria: Invitae Variant Classification Sherloc (09022015). Collection method: clinical testing. Allele origin: germline.
Comment: In summary, the currently available evidence indicates that the variant is pathogenic, but additional data are needed to prove that conclusively. Therefore, this variant has been classified as Likely Pathogenic. This variant disrupts the p.Ile354 amino acid residue in GLB1. Other variant(s) that disrupt this residue have been determined to be pathogenic (PMID: 26108645, 34258138). This suggests that this residue is clinically significant, and that variants that disrupt this residue are likely to be disease-causing. Advanced modeling of protein sequence and biophysical properties (such as structural, functional, and spatial information, amino acid conservation, physicochemical variation, residue mobility, and thermodynamic stability) performed at Invitae indicates that this missense variant is expected to disrupt GLB1 protein function. This variant has not been reported in the literature in individuals affected with GLB1-related conditions. This variant is not present in population databases (gnomAD no frequency). This sequence change replaces isoleucine, which is neutral and non-polar, with valine, which is neutral and non-polar, at codon 354 of the GLB1 protein (p.Ile354Val).

Literature cited by the submitters: PubMed 26108645; PubMed 34258138.

NM_000404.4(GLB1):c.1060A>G (p.Ile354Val)

Gene: GLB1 (galactosidase beta 1; minus strand). Cytogenetic location: 3p22.3.
Variant type: single nucleotide variant.
Coding change: c.1060A>G on transcript NM_000404.4 (MANE Select); coding-DNA position 1060, A replaced by G.
Protein change: p.Ile354Val; replaces isoleucine 354 with valine.
Molecular consequence: missense variant.
Genome position (GRCh38, 1-based): chr3:33,046,128, T>C on the plus strand (A>G on the coding strand, the complement: GLB1 is on the minus strand). VCF-style: chr3-33046128-T-C. GRCh37 (hg19) VCF-style: chr3-33087620-T-C.
Other names: c.970A>G, p.Ile324Val (NM_001079811.3); c.667A>G, p.Ile223Val (NM_001135602.3); c.1204A>G, p.Ile402Val (NM_001317040.2); c.1060A>G, p.Ile354Val (NM_001393580.1); short protein forms I223V, I354V, I402V, I324V.
Identifiers: ClinVar variation 2941220 (VCV002941220.3), dbSNP rs2471354173, ClinGen allele CA351999176.